The following is an entry in ClinVar:

NM_000548.5(TSC2):c.5107G>C (p.Val1703Leu)

Gene: TSC2 (TSC complex subunit 2; plus strand). Cytogenetic location: 16p13.3.
Variant type: single nucleotide variant.
Coding change: c.5107G>C on transcript NM_000548.5 (MANE Select); coding-DNA position 5107, G replaced by C.
Protein change: p.Val1703Leu; replaces valine 1703 with leucine.
Molecular consequence: missense variant.
Genome position (GRCh38, 1-based): chr16:2,088,086, G>C. VCF-style: chr16-2088086-G-C. GRCh37 (hg19) VCF-style: chr16-2138087-G-C.
Other names: c.4996G>C, p.Val1666Leu (NM_001406668.1); c.4927G>C, p.Val1643Leu (NM_001406670.1); c.4897G>C, p.Val1633Leu (NM_001406671.1); c.4894G>C, p.Val1632Leu (NM_001406673.1); c.4891G>C, p.Val1631Leu (NM_001406675.1); c.4888G>C, p.Val1630Leu (NM_001406676.1); c.4849G>C, p.Val1617Leu (NM_001406677.1); c.4795G>C, p.Val1599Leu (NM_001406678.1); and 26 more; short protein forms V1189L, V1211L, V1459L, V1588L, V1600L, V1617L, V1636L, V1647L.
Identifiers: ClinVar variation 2101281 (VCV002101281.14), dbSNP rs2091092273, ClinGen allele CA394312250.

ClinVar aggregate classification (germline): Uncertain significance. Review status: criteria provided, multiple submitters, no conflicts (2 of 4 stars). 2 submissions from 2 submitters: Uncertain significance (2). Last evaluated 2025-06-01.

Conditions:
Tuberous sclerosis 2 (TSC2). Identifiers: Orphanet 805, MedGen C1860707, MONDO:0013199, OMIM 613254.

Submissions (2):

CeGaT Center for Human Genetics Tuebingen
Classification: Uncertain significance. Last evaluated: 2025-06-01. Review status: criteria provided, single submitter. Criteria: CeGaT Center For Human Genetics Tuebingen Variant Classification Criteria Version 2. Collection method: clinical testing. Allele origin: germline. Affected: yes. Observed: 1 variant allele.
Comment: TSC2: PM2:Supporting

Labcorp Genetics (formerly Invitae), Labcorp
Classification: Uncertain significance for Tuberous sclerosis 2. Last evaluated: 2023-10-26. Review status: criteria provided, single submitter. Criteria: Invitae Variant Classification Sherloc (09022015). Collection method: clinical testing. Allele origin: germline.
Comment: This sequence change replaces valine, which is neutral and non-polar, with leucine, which is neutral and non-polar, at codon 1703 of the TSC2 protein (p.Val1703Leu). This variant is not present in population databases (gnomAD no frequency). This variant has not been reported in the literature in individuals affected with TSC2-related conditions. ClinVar contains an entry for this variant (Variation ID: 2101281). Advanced modeling of protein sequence and biophysical properties (such as structural, functional, and spatial information, amino acid conservation, physicochemical variation, residue mobility, and thermodynamic stability) performed at Invitae indicates that this missense variant is not expected to disrupt TSC2 protein function with a negative predictive value of 95%. In summary, the available evidence is currently insufficient to determine the role of this variant in disease. Therefore, it has been classified as a Variant of Uncertain Significance.